The following is an entry in ClinVar:

ClinVar aggregate classification (germline): Conflicting classifications of pathogenicity. Review status: criteria provided, conflicting classifications (1 of 4 stars). 7 submissions from 7 submitters: Uncertain significance (5); Likely benign (2). Last evaluated 2025-09-26.

Conditions:
Cardiovascular phenotype. Identifiers: MedGen CN230736.
Catecholaminergic polymorphic ventricular tachycardia (CVPT). Also called: Catecholamine-induced polymorphic ventricular tachycardia. Identifiers: Orphanet 3286, MedGen C5574922, MONDO:0017990.
Cardiomyopathy (CMYO). Also called: Cardiomyopathies. Identifiers: Orphanet 167848, MedGen C0878544, MONDO:0004994, HP:0001638. Inheritance: Various modes of inheritance.
Catecholaminergic polymorphic ventricular tachycardia 1. Also called: RYR2-Related Catecholaminergic Polymorphic Ventricular Tachycardia; VENTRICULAR TACHYCARDIA, STRESS-INDUCED POLYMORPHIC 1; VENTRICULAR TACHYCARDIA, CATECHOLAMINERGIC POLYMORPHIC, 1, WITH OR WITHOUT ATRIAL DYSFUNCTION AND/OR DILATED CARDIOMYOPATHY. Identifiers: Orphanet 3286, MedGen C1631597, MONDO:0011484, OMIM 604772.

Allele frequency attached by ClinVar (database versions not stated): gnomAD 0.00004 and 0.00003; gnomAD exomes 0.00008 and 0.00002; ExAC 0.00012; TOPMed 0.00001.
gnomAD v4.1: 42 of 1,613,196 alleles (0.0026%); highest among the groups gnomAD compares: Non-Finnish European, 0.0021%; no homozygotes.

Submissions (7):

Mayo Clinic Laboratories, Mayo Clinic
Classification: Uncertain significance. Last evaluated: 2025-09-26. Review status: criteria provided, single submitter. Criteria: ACMG Guidelines, 2015. Collection method: clinical testing. Allele origin: germline. Observed: 1 variant allele.
Comment: BS3_supporting, PP3_moderate

Labcorp Genetics (formerly Invitae), Labcorp
Classification: Likely benign for Catecholaminergic polymorphic ventricular tachycardia 1. Last evaluated: 2025-02-17. Review status: criteria provided, single submitter. Criteria: Invitae Variant Classification Sherloc (09022015). Collection method: clinical testing. Allele origin: germline.

All of Us Research Program, National Institutes of Health
Classification: Uncertain significance for Catecholaminergic polymorphic ventricular tachycardia. Last evaluated: 2024-06-09. Review status: criteria provided, single submitter. Criteria: ACMG Guidelines, 2015. Collection method: clinical testing. Allele origin: germline. Inheritance: Autosomal dominant inheritance. Observed: 14 variant alleles, 14 heterozygotes.
Comment: This missense variant replaces glycine with arginine at codon 2145 of the RYR2 protein. Computational prediction suggests that this variant may have deleterious impact on protein structure and function (internally defined REVEL score threshold >= 0.7, PMID: 27666373). An experimental functional study has suggested that this variant may alter the calcium channel activity of the RYR2 protein (PMID: 19781797). This variant has been reported in an individual with a sudden cardiac death (Marjamaa 2009). This variant has been identified in 22/277838 chromosomes in the general population by the Genome Aggregation Database (gnomAD). The available evidence is insufficient to determine the role of this variant in disease conclusively. Therefore, this variant is classified as a Variant of Uncertain Significance.

This study involves interpretation of variants in research participants for the purpose of population health screening. Participant phenotype was not available at the time of variant classification. Additional details can be found in publication PMID: 35346344, PMCID: PMC8962531

Color Diagnostics, LLC DBA Color Health
Classification: Uncertain significance for Cardiomyopathy. Last evaluated: 2024-05-03. Review status: criteria provided, single submitter. Criteria: ACMG Guidelines, 2015. Collection method: clinical testing. Allele origin: germline.
Comment: This missense variant replaces glycine with arginine at codon 2145 of the RYR2 protein. Computational prediction suggests that this variant may have deleterious impact on protein structure and function. A functional study has suggested that this variant may alter the calcium channel activity of the RYR2 protein (PMID: 19781797). This variant has been reported in an individual with a sudden cardiac death (Marjamaa 2009). This variant has been identified in 22/277838 chromosomes in the general population by the Genome Aggregation Database (gnomAD). The available evidence is insufficient to determine the role of this variant in disease conclusively. Therefore, this variant is classified as a Variant of Uncertain Significance.

GeneDx
Classification: Uncertain significance. Last evaluated: 2023-01-11. Review status: criteria provided, single submitter. Criteria: GeneDx Variant Classification Process June 2021. Collection method: clinical testing. Allele origin: germline. Affected: yes.
Comment: Reported in a patient with sudden cardiac death with no evidence of structural cardiac abnormalities on autopsy and in a daughter who had a normal cardiac evaluation (Marjamaa et al., 2011); Not located in one of the three hot-spot regions of the RYR2 gene, where the majority of pathogenic missense variants occur (Medeiros-Domingo et al., 2009); Published functional studies suggest a damaging effect; channels carrying the p.(G2145R) variant exhibited gain-of-function behavior at calcium levels associated with exercise/stress (Marjamaa et al., 2011); In silico analysis supports that this missense variant has a deleterious effect on protein structure/function; This variant is associated with the following publications: (PMID: 27538377, 33825858, 19781797, 19926015)

Blueprint Genetics
Classification: Likely benign. Last evaluated: 2021-11-29. Review status: criteria provided, single submitter. Criteria: ACMG Guidelines, 2015. Collection method: clinical testing. Allele origin: germline.

Ambry Genetics
Classification: Uncertain significance for Cardiovascular phenotype. Last evaluated: 2020-09-10. Review status: criteria provided, single submitter. Criteria: Ambry Variant Classification Scheme 2023. Collection method: clinical testing. Allele origin: germline.

Literature cited by the submitters: PubMed 19781797 (cited by 3 submitters); PubMed 27538377 (cited by Mayo Clinic Laboratories, Mayo Clinic); PubMed 32152366 (cited by Mayo Clinic Laboratories, Mayo Clinic); PubMed 33825858 (cited by Mayo Clinic Laboratories, Mayo Clinic).

NM_001035.3(RYR2):c.6433G>C (p.Gly2145Arg)

Gene: RYR2 (ryanodine receptor 2; plus strand). Cytogenetic location: 1q43.
Variant type: single nucleotide variant.
Coding change: c.6433G>C on transcript NM_001035.3 (MANE Select); coding-DNA position 6433, G replaced by C.
Protein change: p.Gly2145Arg; replaces glycine 2145 with arginine.
Molecular consequence: missense variant.
Genome position (GRCh38, 1-based): chr1:237,628,073, G>C. VCF-style: chr1-237628073-G-C. GRCh37 (hg19) VCF-style: chr1-237791373-G-C.
Other names: p.Gly2145Arg; c.6433G>C, p.Gly2145Arg (LRG_402t1); short protein forms G2145R.
Identifiers: ClinVar variation 155832 (VCV000155832.22), dbSNP rs587782974, ClinGen allele CA010129.